The following is an entry in ClinVar:

NM_000321.3(RB1):c.2235AGA[1] (p.Glu748del)

Gene: RB1 (RB transcriptional corepressor 1; plus strand). Cytogenetic location: 13q14.2.
Variant type: Microsatellite.
Coding change: c.2235AGA[1] on transcript NM_000321.3 (MANE Select); one copy of the 3-base unit AGA starting at c.2235; the reference has two copies in a row; one copy, 3 bases deleted.
Protein change: p.Glu748del; deletes glutamic acid 748.
Molecular consequence: inframe deletion. On other transcripts: inframe indel (1).
Genome position (GRCh38, 1-based): chr13:48,465,024-48,465,026, AGA deleted; deleting any 3 consecutive bases within chr13:48,465,020-48,465,026 gives the same sequence; the position shown is the placement nearest the transcript's 3' end. VCF-style (leftmost placement, unchanged base first): chr13-48465019-AAAG-A. GRCh37 (hg19) VCF-style: chr13-49039155-AAAG-A.
Other names: c.2235AGA[1], p.Glu748del (NM_001407165.1); c.2235_2237AGA[1], p.Glu748del (NM_000321.2); c.2238_2240delAGA (NM_000321.2); short protein forms E748del.
Identifiers: ClinVar variation 3075649 (VCV003075649.4), dbSNP rs1202128977, ClinGen allele CA609929450.

ClinVar aggregate classification (germline): Uncertain significance. Review status: criteria provided, multiple submitters, no conflicts (2 of 4 stars). 3 submissions from 3 submitters: Uncertain significance (3). Last evaluated 2026-03-04.

Conditions:
Retinoblastoma (RB1). Also called: RETINOBLASTOMA, SOMATIC. Identifiers: Orphanet 790, MedGen C0035335, MeSH D012175, MONDO:0008380, OMIM 180200, HP:0009919. Disease mechanism: loss of function. Inheritance: Both sporadic and heritable forms are tested..
Hereditary cancer-predisposing syndrome. Also called: Neoplastic Syndromes, Hereditary; Tumor predisposition; Hereditary Cancer Syndrome; Hereditary neoplastic syndrome. Identifiers: Orphanet 140162, MedGen C0027672, MeSH D009386, MONDO:0015356.

Submissions (3):

Ambry Genetics
Classification: Uncertain significance for Hereditary cancer-predisposing syndrome. Last evaluated: 2026-03-04. Review status: criteria provided, single submitter. Criteria: Ambry Variant Classification Scheme 2023. Collection method: clinical testing. Allele origin: germline.
Comment: The c.2238_2240delAGA variant (also known as p.E748del) is located in coding exon 22 of the RB1 gene. This variant results from an in-frame AGA deletion at nucleotide positions 2238 to 2240. This results in the in-frame deletion of a glutamic acid at codon 748. This amino acid region is not well conserved in available vertebrate species. In addition, the in silico prediction for this variant is inconclusive (Choi Y et al. PLoS ONE. 2012; 7(10):e46688). Based on the available evidence, the clinical significance of this variant remains unclear.

Labcorp Genetics (formerly Invitae), Labcorp
Classification: Uncertain significance for Retinoblastoma. Last evaluated: 2024-05-23. Review status: criteria provided, single submitter. Criteria: Invitae Variant Classification Sherloc (09022015). Collection method: clinical testing. Allele origin: germline.
Comment: This variant, c.2238_2240del, results in the deletion of 1 amino acid(s) of the RB1 protein (p.Glu748del), but otherwise preserves the integrity of the reading frame. This variant is present in population databases (no rsID available, gnomAD 0.003%). This variant has not been reported in the literature in individuals affected with RB1-related conditions. Experimental studies and prediction algorithms are not available or were not evaluated, and the functional significance of this variant is currently unknown. Algorithms developed to predict the effect of sequence changes on RNA splicing suggest that this variant may disrupt the consensus splice site. In summary, the available evidence is currently insufficient to determine the role of this variant in disease. Therefore, it has been classified as a Variant of Uncertain Significance.

All of Us Research Program, National Institutes of Health
Classification: Uncertain significance for Retinoblastoma. Last evaluated: 2023-10-02. Review status: criteria provided, single submitter. Criteria: ACMG Guidelines, 2015. Collection method: clinical testing. Allele origin: germline. Inheritance: Autosomal dominant inheritance. Observed: 1 variant allele, 1 heterozygote.
Comment: This variant causes an in-frame deletion of glutamic acid at position 748 in the RB1 protein. To our knowledge, functional studies have not been reported for this variant. This variant has not been reported in individuals affected with RB1-related disorders in the literature. This variant has been identified in 1/249754 chromosomes in the general population by the Genome Aggregation Database (gnomAD). The available evidence is insufficient to determine the role of this variant in disease conclusively. Therefore, this variant is classified as a Variant of Uncertain Significance.

This study involves interpretation of variants in research participants for the purpose of population health screening. Participant phenotype was not available at the time of variant classification. Additional details can be found in publication PMID: 35346344, PMCID: PMC8962531